The following is an entry in ClinVar:

NM_001379500.1(COL18A1):c.2747G>A (p.Gly916Asp)

Genes: COL18A1 (collagen type XVIII alpha 1 chain; plus strand), SLC19A1 (solute carrier family 19 member 1; minus strand). Cytogenetic location: 21q22.3.
Variant type: single nucleotide variant.
Coding change: c.2747G>A on transcript NM_001379500.1 (MANE Select); coding-DNA position 2747, G replaced by A.
Protein change: p.Gly916Asp; replaces glycine 916 with aspartic acid.
Molecular consequence: missense variant.
Genome position (GRCh38, 1-based): chr21:45,504,435, G>A. VCF-style: chr21-45504435-G-A. GRCh37 (hg19) VCF-style: chr21-46924349-G-A.
Other names: c.3287G>A, p.Gly1096Asp (NM_030582.4); c.3992G>A, p.Gly1331Asp (NM_130444.3); short protein forms G1331D, G1096D, G916D.
Identifiers: ClinVar variation 1429456 (VCV001429456.1), dbSNP rs2037057866, ClinGen allele CA410499128.

ClinVar aggregate classification (germline): Uncertain significance (1 of 4 stars; one submission).

Allele frequency attached by ClinVar (database versions not stated): TOPMed below 0.00001.

Submission:

Labcorp Genetics (formerly Invitae), Labcorp
Classification: Uncertain significance. Last evaluated: 2021-01-22. Review status: criteria provided, single submitter. Criteria: Invitae Variant Classification Sherloc (09022015). Collection method: clinical testing. Allele origin: germline.
Comment: This sequence change replaces glycine with aspartic acid at codon 916 of the COL18A1 protein (p.Gly916Asp). The glycine residue is highly conserved and there is a moderate physicochemical difference between glycine and aspartic acid. This variant is not present in population databases (ExAC no frequency). This variant has not been reported in the literature in individuals with COL18A1-related conditions. Experimental studies and prediction algorithms are not available or were not evaluated, and the functional significance of this variant is currently unknown. In summary, the available evidence is currently insufficient to determine the role of this variant in disease. Therefore, it has been classified as a Variant of Uncertain Significance.